The following is an entry in ClinVar:

ClinVar aggregate classification (germline): Pathogenic. Review status: criteria provided, multiple submitters, no conflicts (2 of 4 stars). 2 submissions from 2 submitters: Pathogenic (2). Last evaluated 2024-10-31.

Conditions:
Hereditary cancer-predisposing syndrome. Also called: Hereditary neoplastic syndrome; Tumor predisposition; Neoplastic Syndromes, Hereditary; Hereditary Cancer Syndrome. Identifiers: Orphanet 140162, MedGen C0027672, MeSH D009386, MONDO:0015356.
Fanconi anemia complementation group O. Also called: RAD51C-Related Fanconi Anemia. Identifiers: Orphanet 84, MedGen C3150653, MONDO:0013248, OMIM 613390.

Submissions (2):

Labcorp Genetics (formerly Invitae), Labcorp
Classification: Pathogenic for Fanconi anemia complementation group O. Last evaluated: 2024-10-31. Review status: criteria provided, single submitter. Criteria: Invitae Variant Classification Sherloc (09022015). Collection method: clinical testing. Allele origin: germline.
Comment: This sequence change creates a premature translational stop signal (p.Leu88Glyfs*4) in the RAD51C gene. It is expected to result in an absent or disrupted protein product. Loss-of-function variants in RAD51C are known to be pathogenic (PMID: 20400964, 21990120, 24800917, 29278735). This variant is not present in population databases (gnomAD no frequency). This variant has not been reported in the literature in individuals affected with RAD51C-related conditions. ClinVar contains an entry for this variant (Variation ID: 2447776). For these reasons, this variant has been classified as Pathogenic.

Ambry Genetics
Classification: Pathogenic for Hereditary cancer-predisposing syndrome. Last evaluated: 2023-01-19. Review status: criteria provided, single submitter. Criteria: Ambry Variant Classification Scheme 2023. Collection method: clinical testing. Allele origin: germline.
Comment: The c.262_263delCT pathogenic mutation, located in coding exon 2 of the RAD51C gene, results from a deletion of two nucleotides at nucleotide positions 262 to 263, causing a translational frameshift with a predicted alternate stop codon (p.L88Gfs*4). This variant is considered to be rare based on population cohorts in the Genome Aggregation Database (gnomAD). This alteration is expected to result in loss of function by premature protein truncation or nonsense-mediated mRNA decay. As such, this alteration is interpreted as a disease-causing mutation.

Literature cited by the submitters: PubMed 20400964 (cited by Labcorp Genetics (formerly Invitae), Labcorp); PubMed 21990120 (cited by Labcorp Genetics (formerly Invitae), Labcorp); PubMed 24800917 (cited by Labcorp Genetics (formerly Invitae), Labcorp); PubMed 29278735 (cited by Labcorp Genetics (formerly Invitae), Labcorp).

NM_058216.3(RAD51C):c.262_263del (p.Leu88fs)

Gene: RAD51C (RAD51 paralog C; plus strand). Cytogenetic location: 17q22.
Variant type: Deletion.
Coding change: c.262_263del on transcript NM_058216.3 (MANE Select); coding-DNA positions 262 to 263, 2 bases deleted (CT; older notation c.262_263delCT).
Protein change: p.Leu88fs; shifts the reading frame from leucine 88.
Molecular consequence: frameshift variant. On other transcripts: non-coding transcript variant (2).
Genome position (GRCh38, 1-based): chr17:58,695,047-58,695,048, CT deleted. VCF-style (leftmost placement, unchanged base first): chr17-58695046-ACT-A. GRCh37 (hg19) VCF-style: chr17-56772407-ACT-A.
Other names: c.262_263del, p.Leu88fs (NM_002876.4); c.262_263delCT, p.Leu88Glyfs (NM_058217.1); short protein forms L88fs.
Identifiers: ClinVar variation 2447776 (VCV002447776.4), dbSNP rs2509274733, ClinGen allele CA2580094371.